The following is an entry in ClinVar:

ClinVar aggregate classification (germline): Uncertain significance (1 of 4 stars; one submission).

Allele frequency attached by ClinVar (database versions not stated): gnomAD exomes below 0.00001 and 0.00001; ExAC 0.00001; gnomAD 0.00003 and 0.00005; TOPMed 0.00003.
gnomAD v4.1: 7 of 1,187,704 alleles (0.00059%); highest among the groups gnomAD compares: African/African-American, 0.012%; no homozygotes.

Submissions (2):

Labcorp Genetics (formerly Invitae), Labcorp
Classification: Uncertain significance. Last evaluated: 2025-09-09. Review status: criteria provided, single submitter. Criteria: Invitae Variant Classification Sherloc (09022015). Collection method: clinical testing. Allele origin: germline.
Comment: This sequence change replaces glycine, which is neutral and non-polar, with serine, which is neutral and polar, at codon 1298 of the POLA1 protein (p.Gly1298Ser). The frequency data for this variant in the population databases is considered unreliable, as metrics indicate poor data quality at this position in the gnomAD database. This variant has not been reported in the literature in individuals affected with POLA1-related conditions. ClinVar contains an entry for this variant (Variation ID: 1445724). Invitae Evidence Modeling of protein sequence and biophysical properties (such as structural, functional, and spatial information, amino acid conservation, physicochemical variation, residue mobility, and thermodynamic stability) indicates that this missense variant is not expected to disrupt POLA1 protein function with a negative predictive value of 80%. In summary, the available evidence is currently insufficient to determine the role of this variant in disease. Therefore, it has been classified as a Variant of Uncertain Significance.

Dr. Peter K. Rogan Lab, Western University
No classification provided (evidence only). Condition: Thyroid cancer, nonmedullary, 1. Review status: no classification provided. Collection method: in vitro. Allele origin: not applicable. Functional consequence: retained intron. Not counted in ClinVar's aggregate classification.

NM_001330360.2(POLA1):c.3910G>A (p.Gly1304Ser)

Gene: POLA1 (DNA polymerase alpha 1, catalytic subunit; plus strand). Cytogenetic location: Xp22.11.
Variant type: single nucleotide variant.
Coding change: c.3910G>A on transcript NM_001330360.2 (MANE Select); coding-DNA position 3910, G replaced by A.
Protein change: p.Gly1304Ser; replaces glycine 1304 with serine.
Molecular consequence: missense variant. On other transcripts: non-coding transcript variant (2).
Genome position (GRCh38, 1-based): chrX:24,841,825, G>A. VCF-style: chrX-24841825-G-A. GRCh37 (hg19) VCF-style: chrX-24859942-G-A.
Other names: c.3835G>A, p.Gly1279Ser (NM_001378303.1); c.3892G>A, p.Gly1298Ser (NM_016937.4); short protein forms G1279S, G1298S, G1304S.
Identifiers: ClinVar variation 1445724 (VCV001445724.7), dbSNP rs781289140, ClinGen allele CA10373631.